The following is an entry in ClinVar:

NM_024503.5(HIVEP3):c.37G>A (p.Ala13Thr)

Gene: HIVEP3 (HIVEP zinc finger 3; minus strand). Cytogenetic location: 1p34.2.
Variant type: single nucleotide variant.
Coding change: c.37G>A on transcript NM_024503.5 (MANE Select); coding-DNA position 37, G replaced by A.
Protein change: p.Ala13Thr; replaces alanine 13 with threonine.
Molecular consequence: missense variant.
Genome position (GRCh38, 1-based): chr1:41,584,761, C>T on the plus strand (G>A on the coding strand, the complement: HIVEP3 is on the minus strand). VCF-style: chr1-41584761-C-T. GRCh37 (hg19) VCF-style: chr1-42050432-C-T.
Other names: c.37G>A, p.Ala13Thr (NM_001127714.3); short protein forms A13T.
Identifiers: ClinVar variation 3035233 (VCV003035233.2), dbSNP rs116266551, ClinGen allele CA798499.

ClinVar aggregate classification (germline): Benign (0 of 4 stars; one submission).

Conditions:
HIVEP3-related disorder. Also called: HIVEP3-related condition.

Allele frequency attached by ClinVar (database versions not stated): 1000 Genomes Project 0.00419; 1000 Genomes Project 30x 0.00422; gnomAD 0.00429; TOPMed 0.00504; ESP Exome Variant Server 0.00623.
gnomAD v4.1: 1,247 of 1,518,392 alleles (0.082%); highest among the groups gnomAD compares: African/African-American, 1.6%; 14 homozygotes.

Submission:

PreventionGenetics, part of Exact Sciences
Classification: Benign for HIVEP3-related condition. Last evaluated: 2019-03-23. Review status: no assertion criteria provided. Collection method: clinical testing. Allele origin: germline.
Comment: This variant is classified as benign based on ACMG/AMP sequence variant interpretation guidelines (Richards et al. 2015 PMID: 25741868, with internal and published modifications).